The following is an entry in ClinVar:

ClinVar aggregate classification (germline): Benign/Likely benign. Review status: criteria provided, multiple submitters, no conflicts (2 of 4 stars). 6 submissions from 6 submitters: Benign (1); Likely benign (2). 3 of the submissions do not count toward it. Last evaluated 2026-01-01.

Conditions:
GNAL-related disorder. Also called: GNAL-related condition.
Dystonic disorder. Also called: Dystonia. Identifiers: MedGen C0013421, MONDO:0003441, HP:0001332.

Allele frequency attached by ClinVar (database versions not stated): 1000 Genomes Project 0.00060; gnomAD 0.00170 and 0.00180; gnomAD exomes 0.00179; TOPMed 0.00181; ESP Exome Variant Server 0.00209; ExAC 0.00581.
gnomAD v4.1: 3,639 of 1,537,772 alleles (0.24%); highest among the groups gnomAD compares: South Asian, 0.33%; 9 homozygotes.

Submissions (6):

CeGaT Center for Human Genetics Tuebingen
Classification: Likely benign. Last evaluated: 2026-01-01. Review status: criteria provided, single submitter. Criteria: CeGaT Center For Human Genetics Tuebingen Variant Classification Criteria Version 2. Collection method: clinical testing. Allele origin: germline. Affected: yes. Observed: 3 variant alleles.
Comment: GNAL: BP4, BP7

Blueprint Genetics
Classification: Likely benign. Last evaluated: 2024-10-31. Review status: criteria provided, single submitter. Criteria: ACMG Guidelines, 2015. Collection method: clinical testing. Allele origin: germline.

Labcorp Genetics (formerly Invitae), Labcorp
Classification: Benign for Dystonic disorder. Last evaluated: 2024-01-18. Review status: criteria provided, single submitter. Criteria: Invitae Variant Classification Sherloc (09022015). Collection method: clinical testing. Allele origin: germline.

PreventionGenetics, part of Exact Sciences
Classification: Likely benign for GNAL-related condition. Last evaluated: 2024-01-30. Review status: no assertion criteria provided. Collection method: clinical testing. Allele origin: germline. Not counted in ClinVar's aggregate classification.
Comment: This variant is classified as likely benign based on ACMG/AMP sequence variant interpretation guidelines (Richards et al. 2015 PMID: 25741868, with internal and published modifications).

Clinical Genetics DNA and cytogenetics Diagnostics Lab, Erasmus MC, Erasmus Medical Center
Classification: Likely benign. Review status: no assertion criteria provided. Collection method: clinical testing. Allele origin: germline. Affected: yes. Study: VKGL Data-share Consensus. Not counted in ClinVar's aggregate classification.

Diagnostic Laboratory, Department of Genetics, University Medical Center Groningen
Classification: Likely benign. Review status: no assertion criteria provided. Collection method: clinical testing. Allele origin: germline. Affected: yes. Study: VKGL Data-share Consensus. Not counted in ClinVar's aggregate classification.

NM_182978.4(GNAL):c.252G>A (p.Glu84=)

Gene: GNAL (G protein subunit alpha L; plus strand). Cytogenetic location: 18p11.21.
Variant type: single nucleotide variant.
Coding change: c.252G>A on transcript NM_182978.4 (MANE Select); coding-DNA position 252, G replaced by A.
Protein change: p.Glu84=; no amino-acid change (glutamic acid 84 retained).
Molecular consequence: synonymous variant.
Genome position (GRCh38, 1-based): chr18:11,689,815, G>A. VCF-style: chr18-11689815-G-A. GRCh37 (hg19) VCF-style: chr18-11689814-G-A.
Other names: c.252G>A (NM_182978.3).
Identifiers: ClinVar variation 1175112 (VCV001175112.45), dbSNP rs370118361, ClinGen allele CA8893790.